The following is an entry in ClinVar:

NM_138694.4(PKHD1):c.634del (p.Thr212fs)

Gene: PKHD1 (PKHD1 ciliary IPT domain containing fibrocystin/polyductin; minus strand). Cytogenetic location: 6p12.2.
Variant type: Deletion.
Coding change: c.634del on transcript NM_138694.4 (MANE Select); coding-DNA position 634, one base deleted (A; older notation c.634delA).
Protein change: p.Thr212fs; shifts the reading frame from threonine 212.
Molecular consequence: frameshift variant.
Genome position (GRCh38, 1-based): chr6:52,071,039, T deleted on the plus strand (A on the coding strand, the reverse complement: PKHD1 is on the minus strand). VCF-style (leftmost placement, unchanged base first): chr6-52071038-GT-G. GRCh37 (hg19) VCF-style: chr6-51935836-GT-G.
Other names: c.634del, p.Thr212fs (NM_170724.3); c.634delA (NM_138694.4); short protein forms T212fs.
Identifiers: ClinVar variation 4847615 (VCV004847615.1).

ClinVar aggregate classification (germline): Pathogenic (1 of 4 stars; one submission).

Conditions:
Autosomal recessive polycystic kidney disease (ARPKD). Also called: AR polycystic kidney disease. Identifiers: Orphanet 731, Orphanet 8378, MedGen C0085548, MeSH D017044, MONDO:0009889.

Submission:

Women's Health and Genetics/Laboratory Corporation of America, LabCorp
Classification: Pathogenic for Autosomal recessive polycystic kidney disease. Last evaluated: 2026-03-30. Review status: criteria provided, single submitter. Criteria: LabCorp Variant Classification Summary - May 2015. Collection method: clinical testing. Allele origin: germline.
Comment: Variant summary: PKHD1 c.634delA (p.Thr212LeufsX34) results in a premature termination codon, predicted to cause a truncation of the encoded protein or absence of the protein due to nonsense mediated decay, which are commonly known mechanisms for disease. The variant was absent in 251010 control chromosomes. To our knowledge, no occurrence of c.634delA in individuals affected with PKHD1-related conditions and no experimental evidence demonstrating its impact on protein function have been reported. No submitters have cited clinical-significance assessments for this variant to ClinVar. Based on the evidence outlined above, the variant was classified as pathogenic.